The following is an entry in ClinVar:

NM_000091.5(COL4A3):c.2170G>T (p.Gly724Ter)

Genes: MFF-DT (MFF divergent transcript; minus strand), COL4A3 (collagen type IV alpha 3 chain; plus strand). Cytogenetic location: 2q36.3.
Variant type: single nucleotide variant.
Coding change: c.2170G>T on transcript NM_000091.5 (MANE Select); coding-DNA position 2170, G replaced by T.
Protein change: p.Gly724Ter; replaces glycine 724 with a stop codon.
Molecular consequence: nonsense.
Genome position (GRCh38, 1-based): chr2:227,279,837, G>T. VCF-style: chr2-227279837-G-T. GRCh37 (hg19) VCF-style: chr2-228144553-G-T.
Other names: short protein forms G724*.
Identifiers: ClinVar variation 1725541 (VCV001725541.2), dbSNP rs2469747787, ClinGen allele CA350847647.

ClinVar aggregate classification (germline): Likely pathogenic (1 of 4 stars; one submission).

Conditions:
Autosomal recessive Alport syndrome (ATS2). Also called: COL4A3-Related Nephropathy; COL4A4 Alport Syndrome and Thin Basement Membrane Nephropathy; ALPORT SYNDROME 2, AUTOSOMAL RECESSIVE; Alport syndrome type 2. Identifiers: Orphanet 63, Orphanet 88919, MedGen C4746745, MONDO:0008762, OMIM 203780.

Submission:

Myriad Genetics, Inc.
Classification: Likely pathogenic for Autosomal recessive Alport syndrome. Last evaluated: 2022-03-30. Review status: criteria provided, single submitter. Criteria: Myriad Women's Health Autosomal Recessive and X-Linked Classification Criteria (2021). Collection method: clinical testing. Allele origin: unknown.
Comment: NM_000091.4(COL4A3):c.2170G>T(G724*) is expected to be pathogenic in the context of COL4A3-related Alport syndrome. This variant is predicted to lead to an abnormal or absent protein product due to the creation of a premature termination codon in COL4A3, a gene where loss-of-function variants are known to be pathogenic. Please note: this variant was assessed in the context of healthy population screening.